The following is an entry in ClinVar:

NM_002691.4(POLD1):c.2317G>A (p.Ala773Thr)

Gene: POLD1 (DNA polymerase delta 1, catalytic subunit; plus strand). Cytogenetic location: 19q13.33.
Variant type: single nucleotide variant.
Coding change: c.2317G>A on transcript NM_002691.4 (MANE Select); coding-DNA position 2317, G replaced by A.
Protein change: p.Ala773Thr; replaces alanine 773 with threonine.
Molecular consequence: missense variant. On other transcripts: non-coding transcript variant (1).
Genome position (GRCh38, 1-based): chr19:50,413,808, G>A. VCF-style: chr19-50413808-G-A. GRCh37 (hg19) VCF-style: chr19-50917065-G-A.
Other names: c.2317G>A, p.Ala773Thr (NM_001256849.1); c.2395G>A, p.Ala799Thr (NM_001308632.1); c.2317G>A (NM_002691.2); short protein forms A773T, A799T.
Identifiers: ClinVar variation 239283 (VCV000239283.20), dbSNP rs753865441, ClinGen allele CA9596482.

ClinVar aggregate classification (germline): Conflicting classifications of pathogenicity. Review status: criteria provided, conflicting classifications (1 of 4 stars). 7 submissions from 7 submitters: Uncertain significance (5); Likely benign (2). Last evaluated 2026-01-13.

Conditions:
Immunodeficiency 120. Identifiers: MedGen C5935622, MONDO:0970994, OMIM 620836.
POLD1-related polyposis and colorectal cancer syndrome (CRCS10). Also called: COLORECTAL CANCER, SUSCEPTIBILITY TO, ON CHROMOSOME 19q; Colorectal cancer 10; Colorectal cancer, susceptibility to, 10. Identifiers: Orphanet 220460, MedGen C2675481, MONDO:0012953, OMIM 612591.
Mandibular hypoplasia-deafness-progeroid syndrome. Also called: Mandibular hypoplasia, deafness, progeroid features, and lipodystrophy syndrome. Identifiers: Orphanet 363649, MedGen C3715192, MONDO:0014157, OMIM 615381.
Hereditary cancer-predisposing syndrome. Also called: Hereditary Cancer Syndrome; Neoplastic Syndromes, Hereditary; Hereditary neoplastic syndrome; Tumor predisposition. Identifiers: Orphanet 140162, MedGen C0027672, MeSH D009386, MONDO:0015356.

Allele frequency attached by ClinVar (database versions not stated): ExAC 0.00002; gnomAD exomes 0.00004; gnomAD 0.00007 and 0.00008; TOPMed 0.00013.
gnomAD v4.1: 164 of 1,612,468 alleles (0.01%); highest among the groups gnomAD compares: Admixed American, 0.027%; no homozygotes.

Submissions (7):

Labcorp Genetics (formerly Invitae), Labcorp
Classification: Uncertain significance for POLD1-related polyposis and colorectal cancer syndrome. Last evaluated: 2026-01-13. Review status: criteria provided, single submitter. Criteria: Invitae Variant Classification Sherloc (09022015). Collection method: clinical testing. Allele origin: germline.
Comment: This sequence change replaces alanine, which is neutral and non-polar, with threonine, which is neutral and polar, at codon 773 of the POLD1 protein (p.Ala773Thr). This variant is present in population databases (rs753865441, gnomAD 0.01%). This variant has not been reported in the literature in individuals affected with POLD1-related conditions. ClinVar contains an entry for this variant (Variation ID: 239283). Invitae Evidence Modeling of protein sequence and biophysical properties (such as structural, functional, and spatial information, amino acid conservation, physicochemical variation, residue mobility, and thermodynamic stability) indicates that this missense variant is not expected to disrupt POLD1 protein function with a negative predictive value of 80%. In summary, the available evidence is currently insufficient to determine the role of this variant in disease. Therefore, it has been classified as a Variant of Uncertain Significance.

Women's Health and Genetics/Laboratory Corporation of America, LabCorp
Classification: Uncertain significance. Last evaluated: 2025-04-01. Review status: criteria provided, single submitter. Criteria: LabCorp Variant Classification Summary - May 2015. Collection method: clinical testing. Allele origin: germline.
Comment: Variant summary: POLD1 c.2317G>A (p.Ala773Thr) results in a non-conservative amino acid change located in the DNA-directed DNA polymerase, family B, multifunctional domain (IPR006134) of the encoded protein sequence. Four of five in-silico tools predict a benign effect of the variant on protein function. The variant allele was found at a frequency of 0.0001 in 1612468 control chromosomes (gnomAD). The observed variant frequency is approximately 7 fold of the estimated maximal expected allele frequency for a pathogenic variant in POLD1 causing Colorectal Cancer phenotype (1.4e-05). To our knowledge, no occurrence of c.2317G>A in individuals affected with Colorectal Cancer and no experimental evidence demonstrating its impact on protein function have been reported. ClinVar contains an entry for this variant (Variation ID: 239283). Based on the evidence outlined above, the variant was classified as VUS-possibly benign.

Center for Genomic Medicine, Rigshospitalet, Copenhagen University Hospital
Classification: Uncertain significance. Last evaluated: 2025-03-04. Review status: criteria provided, single submitter. Criteria: ACMG Guidelines, 2015. Collection method: clinical testing. Allele origin: germline.

Ambry Genetics
Classification: Likely benign for Hereditary cancer-predisposing syndrome. Last evaluated: 2024-10-17. Review status: criteria provided, single submitter. Criteria: Ambry Variant Classification Scheme 2023. Collection method: clinical testing. Allele origin: germline.

Fulgent Genetics
Classification: Uncertain significance for POLD1-related polyposis and colorectal cancer syndrome; Mandibular hypoplasia-deafness-progeroid syndrome; Immunodeficiency 120. Last evaluated: 2024-05-21. Review status: criteria provided, single submitter. Criteria: ACMG Guidelines, 2015. Collection method: clinical testing. Allele origin: germline.

GeneDx
Classification: Likely benign. Last evaluated: 2021-05-03. Review status: criteria provided, single submitter. Criteria: GeneDx Variant Classification Process June 2021. Collection method: clinical testing. Allele origin: germline. Affected: yes.
Comment: In silico analysis, which includes protein predictors and evolutionary conservation, supports that this variant does not alter protein structure/function; Observed in an individual undergoing multi-gene hereditary cancer panel testing based on personal and/or family history of cancer (Cabanillas 2017); This variant is associated with the following publications: (PMID: 28717660)

Quest Diagnostics Nichols Institute San Juan Capistrano
Classification: Uncertain significance. Last evaluated: 2019-12-31. Review status: criteria provided, single submitter. Criteria: Quest Diagnostics criteria. Collection method: clinical testing. Allele origin: unknown.

Literature cited by the submitters: PubMed 28717660 (cited by Quest Diagnostics Nichols Institute San Juan Capistrano).